The following is an entry in ClinVar:

NM_006899.5(IDH3B):c.399G>T (p.Arg133Ser)

Gene: IDH3B (isocitrate dehydrogenase (NAD(+)) 3 non-catalytic subunit beta; minus strand). Cytogenetic location: 20p13.
Variant type: single nucleotide variant.
Coding change: c.399G>T on transcript NM_006899.5 (MANE Select); coding-DNA position 399, G replaced by T.
Protein change: p.Arg133Ser; replaces arginine 133 with serine.
Molecular consequence: missense variant. On other transcripts: non-coding transcript variant (1).
Genome position (GRCh38, 1-based): chr20:2,660,829, C>A on the plus strand (G>T on the coding strand, the complement: IDH3B is on the minus strand). VCF-style: chr20-2660829-C-A. GRCh37 (hg19) VCF-style: chr20-2641475-C-A.
Other names: c.399G>T, p.Arg133Ser (NM_001258384.3, NM_001330763.2, NM_174855.4); short protein forms R133S.
Identifiers: ClinVar variation 1996048 (VCV001996048.4), dbSNP rs2514761308, ClinGen allele CA408038736.

ClinVar aggregate classification (germline): Uncertain significance (1 of 4 stars; one submission).

Submission:

Labcorp Genetics (formerly Invitae), Labcorp
Classification: Uncertain significance. Last evaluated: 2024-11-11. Review status: criteria provided, single submitter. Criteria: Invitae Variant Classification Sherloc (09022015). Collection method: clinical testing. Allele origin: germline.
Comment: This sequence change replaces arginine, which is basic and polar, with serine, which is neutral and polar, at codon 133 of the IDH3B protein (p.Arg133Ser). This variant is not present in population databases (gnomAD no frequency). This variant has not been reported in the literature in individuals affected with IDH3B-related conditions. ClinVar contains an entry for this variant (Variation ID: 1996048). An algorithm developed to predict the effect of missense changes on protein structure and function (PolyPhen-2) suggests that this variant is likely to be tolerated. Algorithms developed to predict the effect of sequence changes on RNA splicing suggest that this variant may disrupt the consensus splice site. In summary, the available evidence is currently insufficient to determine the role of this variant in disease. Therefore, it has been classified as a Variant of Uncertain Significance.